The following is an entry in ClinVar:

ClinVar aggregate classification (germline): Uncertain significance (1 of 4 stars; one submission).

Conditions:
Episodic kinesigenic dyskinesia (EKD). Also called: Paroxysmal kinesigenic dyskinesia. Identifiers: Orphanet 98809, MedGen C1868682, MONDO:0044202.

Submission:

Labcorp Genetics (formerly Invitae), Labcorp
Classification: Uncertain significance for Episodic kinesigenic dyskinesia. Last evaluated: 2024-07-18. Review status: criteria provided, single submitter. Criteria: Invitae Variant Classification Sherloc (09022015). Collection method: clinical testing. Allele origin: germline.
Comment: This sequence change replaces phenylalanine, which is neutral and non-polar, with leucine, which is neutral and non-polar, at codon 288 of the PRRT2 protein (p.Phe288Leu). This variant is not present in population databases (gnomAD no frequency). This variant has not been reported in the literature in individuals affected with PRRT2-related conditions. Advanced modeling of protein sequence and biophysical properties (such as structural, functional, and spatial information, amino acid conservation, physicochemical variation, residue mobility, and thermodynamic stability) performed at Invitae indicates that this missense variant is not expected to disrupt PRRT2 protein function with a negative predictive value of 95%. In summary, the available evidence is currently insufficient to determine the role of this variant in disease. Therefore, it has been classified as a Variant of Uncertain Significance.

NM_145239.3(PRRT2):c.864C>G (p.Phe288Leu)

Genes: MVP-DT (MVP divergent transcript; minus strand), PRRT2 (proline rich transmembrane protein 2; plus strand). Cytogenetic location: 16p11.2.
Variant type: single nucleotide variant.
Coding change: c.864C>G on transcript NM_145239.3 (MANE Select); coding-DNA position 864, C replaced by G.
Protein change: p.Phe288Leu; replaces phenylalanine 288 with leucine.
Molecular consequence: missense variant.
Genome position (GRCh38, 1-based): chr16:29,813,918, C>G. VCF-style: chr16-29813918-C-G. GRCh37 (hg19) VCF-style: chr16-29825239-C-G.
Other names: c.864C>G, p.Phe288Leu (NM_001256442.2, NM_001256443.2); short protein forms F288L.
Identifiers: ClinVar variation 3713246 (VCV003713246.2).